The following is an entry in ClinVar:

NM_006231.4(POLE):c.2581A>G (p.Thr861Ala)

Gene: POLE (DNA polymerase epsilon, catalytic subunit; minus strand). Cytogenetic location: 12q24.33.
Variant type: single nucleotide variant.
Coding change: c.2581A>G on transcript NM_006231.4 (MANE Select); coding-DNA position 2581, A replaced by G.
Protein change: p.Thr861Ala; replaces threonine 861 with alanine.
Molecular consequence: missense variant.
Genome position (GRCh38, 1-based): chr12:132,664,129, T>C on the plus strand (A>G on the coding strand, the complement: POLE is on the minus strand). VCF-style: chr12-132664129-T-C. GRCh37 (hg19) VCF-style: chr12-133240715-T-C.
Other names: short protein forms T861A.
Identifiers: ClinVar variation 3628525 (VCV003628525.2).
Genomic context (GRCh38, chr12:132,664,129, plus strand): 5'-TCGTCTTGAAGACAAAATTTTCTGGGAAGCTGTTGGGCAGGACGCACCATATACCATCTG[T>C]GTCCAGCTCTAAGGGCCTCCTTCAGAGAAAGAGAGGAGCAAGGTCGTGAGTTCCCCTTTC-3'
Protein context (NP_006222.2, residues 851-871): EQIGRPLELD[Thr861Ala]DGIWCVLPNS

ClinVar aggregate classification (germline): Uncertain significance (1 of 4 stars; one submission).

Submission:

Labcorp Genetics (formerly Invitae), Labcorp
Classification: Uncertain significance. Last evaluated: 2024-12-12. Review status: criteria provided, single submitter. Criteria: Invitae Variant Classification Sherloc (09022015). Collection method: clinical testing. Allele origin: germline.
Comment: This sequence change replaces threonine, which is neutral and polar, with alanine, which is neutral and non-polar, at codon 861 of the POLE protein (p.Thr861Ala). This variant is not present in population databases (gnomAD no frequency). This variant has not been reported in the literature in individuals affected with POLE-related conditions. Invitae Evidence Modeling of protein sequence and biophysical properties (such as structural, functional, and spatial information, amino acid conservation, physicochemical variation, residue mobility, and thermodynamic stability) indicates that this missense variant is expected to disrupt POLE protein function with a positive predictive value of 80%. In summary, the available evidence is currently insufficient to determine the role of this variant in disease. Therefore, it has been classified as a Variant of Uncertain Significance.